The following is an entry in ClinVar:

ClinVar aggregate classification (germline): Uncertain significance (1 of 4 stars; one submission).

Conditions:
Familial temporal lobe epilepsy 7. Identifiers: Orphanet 101046, MedGen C4225327, MONDO:0014639, OMIM 616436.
Norman-Roberts syndrome (LIS2). Also called: Lissencephaly 2 (Norman-Roberts type). Identifiers: Orphanet 89844, MedGen C0796089, MONDO:0009760, OMIM 257320.

Allele frequency attached by ClinVar (database versions not stated): ExAC 0.00002; gnomAD exomes 0.00002.
gnomAD v4.1: 6 of 1,613,508 alleles (0.00037%); highest among the groups gnomAD compares: Admixed American, 0.0067%; no homozygotes.

Submission:

Labcorp Genetics (formerly Invitae), Labcorp
Classification: Uncertain significance for Familial temporal lobe epilepsy 7; Norman-Roberts syndrome. Last evaluated: 2023-10-26. Review status: criteria provided, single submitter. Criteria: Invitae Variant Classification Sherloc (09022015). Collection method: clinical testing. Allele origin: germline.
Comment: This sequence change falls in intron 1 of the RELN gene. It does not directly change the encoded amino acid sequence of the RELN protein. It affects a nucleotide within the consensus splice site. This variant is present in population databases (rs749125854, gnomAD 0.01%). This variant has not been reported in the literature in individuals affected with RELN-related conditions. ClinVar contains an entry for this variant (Variation ID: 1020414). Variants that disrupt the consensus splice site are a relatively common cause of aberrant splicing (PMID: 17576681, 9536098). Algorithms developed to predict the effect of sequence changes on RNA splicing suggest that this variant is not likely to affect RNA splicing. In summary, the available evidence is currently insufficient to determine the role of this variant in disease. Therefore, it has been classified as a Variant of Uncertain Significance.

Literature cited by the submitters: PubMed 17576681; PubMed 9536098.

NM_005045.4(RELN):c.226+4G>A

Gene: RELN (reelin; minus strand). Cytogenetic location: 7q22.1.
Variant type: single nucleotide variant.
Coding change: c.226+4G>A on transcript NM_005045.4 (MANE Select); 4 bases into the intron after coding-DNA position 226, G replaced by A.
Molecular consequence: intron variant.
Genome position (GRCh38, 1-based): chr7:103,989,127, C>T on the plus strand (G>A on the coding strand, the complement: RELN is on the minus strand). VCF-style: chr7-103989127-C-T. GRCh37 (hg19) VCF-style: chr7-103629574-C-T.
Other names: c.226+4G>A (NM_173054.3).
Identifiers: ClinVar variation 1020414 (VCV001020414.6), dbSNP rs749125854, ClinGen allele CA4422692.